The following is an entry in ClinVar:

NM_001122681.2(SH3BP2):c.*882C>T

Gene: SH3BP2 (SH3 domain binding protein 2; plus strand). Cytogenetic location: 4p16.3.
Variant type: single nucleotide variant.
Coding change: c.*882C>T on transcript NM_001122681.2 (MANE Select); 882 bases downstream of the stop codon, C replaced by T.
Molecular consequence: 3 prime UTR variant.
Genome position (GRCh38, 1-based): chr4:2,834,716, C>T. VCF-style: chr4-2834716-C-T. GRCh37 (hg19) VCF-style: chr4-2836443-C-T.
Other names: c.*882C>T (NM_001145855.2, NM_001145856.2, NM_003023.4).
Identifiers: ClinVar variation 901465 (VCV000901465.4), dbSNP rs574313523, ClinGen allele CA91414598.

ClinVar aggregate classification (germline): Benign (1 of 4 stars; one submission).

Conditions:
Fibrous dysplasia of jaw (CRBM). Also called: Cherubism. Identifiers: Orphanet 184, MedGen C0008029, MONDO:0007315, OMIM 118400.

Allele frequency attached by ClinVar (database versions not stated): gnomAD 0.00001 and 0.00019; TOPMed 0.00003; 1000 Genomes Project 30x 0.00172; 1000 Genomes Project 0.00180.

Submission:

Illumina Laboratory Services, Illumina
Classification: Benign for Fibrous dysplasia of jaw. Last evaluated: 2018-01-12. Review status: criteria provided, single submitter. Criteria: ICSL Variant Classification Criteria 13 December 2019. Collection method: clinical testing. Allele origin: germline.
Comment: This variant was observed in the ICSL laboratory as part of a predisposition screen in an ostensibly healthy population. It had not been previously curated by ICSL or reported in the Human Gene Mutation Database (HGMD: prior to June 1st, 2018), and was therefore a candidate for classification through an automated scoring system. Utilizing variant allele frequency, disease prevalence and penetrance estimates, and inheritance mode, an automated score was calculated to assess if this variant is too frequent to cause the disease. Based on the score and internal cut-off values, a variant classified as benign is not then subjected to further curation. The score for this variant resulted in a classification of benign for this disease.